The following is an entry in ClinVar:

ClinVar aggregate classification (germline): Pathogenic/Likely pathogenic. Review status: criteria provided, multiple submitters, no conflicts (2 of 4 stars). 11 submissions from 11 submitters: Pathogenic (6); Likely pathogenic (1). 4 of the submissions do not count toward it. Last evaluated 2026-02-02.

Conditions:
RS1-related disorder. Also called: RS1-related condition.
Retinal dystrophy. Also called: Inherited retinal dystrophy. Identifiers: Orphanet 71862, MedGen C0854723, MeSH D058499, MONDO:0019118, HP:0000556.
Juvenile retinoschisis (RS1). Also called: X-Linked Juvenile Retinoschisis; X-linked retinoschisis. Identifiers: Orphanet 792, MedGen C3714753, MONDO:0010725, OMIM 312700.
Retinoschisis. Identifiers: MedGen C0152439, MONDO:0004579, HP:0030502.

Submissions (11):

Labcorp Genetics (formerly Invitae), Labcorp
Classification: Pathogenic. Last evaluated: 2026-02-02. Review status: criteria provided, single submitter. Criteria: Invitae Variant Classification Sherloc (09022015). Collection method: clinical testing. Allele origin: germline.
Comment: This sequence change replaces proline, which is neutral and non-polar, with leucine, which is neutral and non-polar, at codon 203 of the RS1 protein (p.Pro203Leu). This variant is not present in population databases (gnomAD no frequency). This missense change has been observed in individuals with retinoschisis (PMID: 9618178, 10636740, 26356828, 28221463, 30652005). ClinVar contains an entry for this variant (Variation ID: 9895). Invitae Evidence Modeling of protein sequence and biophysical properties (such as structural, functional, and spatial information, amino acid conservation, physicochemical variation, residue mobility, and thermodynamic stability) indicates that this missense variant is expected to disrupt RS1 protein function with a positive predictive value of 95%. This variant disrupts the p.Pro203 amino acid residue in RS1. Other variant(s) that disrupt this residue have been observed in individuals with RS1-related conditions (PMID: 22245991, 28559085), which suggests that this may be a clinically significant amino acid residue. For these reasons, this variant has been classified as Pathogenic.

GeneDx
Classification: Pathogenic. Last evaluated: 2022-04-29. Review status: criteria provided, single submitter. Criteria: GeneDx Variant Classification Process June 2021. Collection method: clinical testing. Allele origin: germline. Affected: yes.
Comment: Published functional studies demonstrate a damaging effect with protein aggregation and defective secretion (Wu et al., 2003); Not observed in large population cohorts (gnomAD); In silico analysis supports that this missense variant has a deleterious effect on protein structure/function; This variant is associated with the following publications: (PMID: 9618178, 16167295, 19324861, 17515881, 30652005, 31456290, 33124204, 10450864, 10636740, 12746437)

Blueprint Genetics
Classification: Pathogenic for RS1-related disorders. Last evaluated: 2022-03-24. Review status: criteria provided, single submitter. Criteria: ACMG Guidelines, 2015. Collection method: clinical testing. Allele origin: germline. Affected: yes. Observed: 5 variant alleles.

MGZ Medical Genetics Center
Classification: Likely pathogenic for Juvenile retinoschisis. Last evaluated: 2022-01-07. Review status: criteria provided, single submitter. Criteria: ACMG Guidelines, 2015. Collection method: clinical testing. Allele origin: germline. Affected: yes. Observed: 1 variant allele.
Comment: ACMG criteria applied: PS4_MOD, PM6, PP1_MOD, PM2_SUP, PP3

Institute of Medical Genetics and Applied Genomics, University Hospital Tübingen
Classification: Pathogenic. Last evaluated: 2020-10-23. Review status: criteria provided, single submitter. Criteria: ACMG Guidelines, 2015. Collection method: clinical testing. Allele origin: germline. Inheritance: X-linked dominant inheritance. Affected: yes.

Institute of Human Genetics, Univ. Regensburg, Univ. Regensburg
Classification: Pathogenic for Retinal dystrophy. Last evaluated: 2020-01-01. Review status: criteria provided, single submitter. Criteria: ACMG Guidelines, 2015. Collection method: clinical testing. Allele origin: germline. Affected: yes.

Clinical Genetics Service, Universitary Hospital 12 de Octubre
Classification: Pathogenic for Juvenile retinoschisis. Review status: criteria provided, single submitter. Criteria: ACMG Guidelines, 2015. Collection method: clinical testing. Allele origin: germline. Affected: yes.

Sharon lab, Hadassah-Hebrew University Medical Center
Classification: Likely pathogenic for retinoschisis. Last evaluated: 2019-06-23. Review status: no assertion criteria provided. Collection method: research. Allele origin: inherited. Affected: yes. Not counted in ClinVar's aggregate classification.

Counsyl
Classification: Pathogenic for Juvenile retinoschisis. Last evaluated: 2016-06-09. Review status: no assertion criteria provided. Collection method: clinical testing. Allele origin: unknown. Not counted in ClinVar's aggregate classification.

OMIM
Classification: Pathogenic for RETINOSCHISIS 1, X-LINKED, JUVENILE. Last evaluated: 1999-12-01. Review status: no assertion criteria provided. Collection method: literature only. Allele origin: germline. Not counted in ClinVar's aggregate classification.

Retina International
No classification provided. Review status: no classification provided. Collection method: not provided. Allele origin: unknown. Not counted in ClinVar's aggregate classification.

Literature cited by the submitters: PubMed 9618178 (cited by 3 submitters); PubMed 10636740 (cited by 3 submitters); PubMed 26356828 (cited by 3 submitters); PubMed 28221463 (cited by Labcorp Genetics (formerly Invitae), Labcorp); PubMed 30652005 (cited by Labcorp Genetics (formerly Invitae), Labcorp and Institute of Human Genetics, Univ. Regensburg, Univ. Regensburg); PubMed 22245991 (cited by Labcorp Genetics (formerly Invitae), Labcorp); PubMed 28559085 (cited by Labcorp Genetics (formerly Invitae), Labcorp); PubMed 20061330 (cited by Institute of Human Genetics, Univ. Regensburg, Univ. Regensburg and Counsyl); PubMed 31456290 (cited by Institute of Human Genetics, Univ. Regensburg, Univ. Regensburg); PubMed 35456481 (cited by Institute of Human Genetics, Univ. Regensburg, Univ. Regensburg); PubMed 34822951 (cited by Institute of Human Genetics, Univ. Regensburg, Univ. Regensburg); PubMed 34624300 (cited by Institute of Human Genetics, Univ. Regensburg, Univ. Regensburg); PubMed 36460718 (cited by Institute of Human Genetics, Univ. Regensburg, Univ. Regensburg); PubMed 35836572 (cited by Institute of Human Genetics, Univ. Regensburg, Univ. Regensburg); PubMed 36284460 (cited by Institute of Human Genetics, Univ. Regensburg, Univ. Regensburg); PubMed 34645606 (cited by Institute of Human Genetics, Univ. Regensburg, Univ. Regensburg); PubMed 17515881 (cited by Counsyl); PubMed 16167295 (cited by Counsyl); PubMed 18541843 (cited by Counsyl); PubMed 10220153 (cited by Counsyl); PubMed 10234514 (cited by Counsyl).

NM_000330.4(RS1):c.608C>T (p.Pro203Leu)

Genes: CDKL5 (cyclin dependent kinase like 5; plus strand), RS1 (retinoschisin 1; minus strand). Cytogenetic location: Xp22.13.
Variant type: single nucleotide variant.
Coding change: c.608C>T on transcript NM_000330.4 (MANE Select); coding-DNA position 608, C replaced by T.
Protein change: p.Pro203Leu; replaces proline 203 with leucine.
Molecular consequence: missense variant. On other transcripts: intron variant (2).
Genome position (GRCh38, 1-based): chrX:18,642,071, G>A on the plus strand (C>T on the coding strand, the complement: RS1 is on the minus strand). VCF-style: chrX-18642071-G-A. GRCh37 (hg19) VCF-style: chrX-18660191-G-A.
Other names: c.2714-3936G>A (NM_003159.3, NM_001037343.2); short protein forms P203L.
Identifiers: ClinVar variation 9895 (VCV000009895.22), dbSNP rs104894930, ClinGen allele CA226813.
Genomic context (GRCh38, chrX:18,642,071, plus strand): 5'-CACTTGCTGACGCACTCCAGCAGCTCCATCCGGATGGCAATGCGGACGTGCCAGCCCAGC[G>A]GGATGAGGCGGATGAAGCGGGAGATGATGGGGGGCCGCAGCAGGTTCTGAACCGTGGAGG-3'
Protein context (NP_000321.1, residues 193-213): PIISRFIRLI[Pro203Leu]LGWHVRIAIR